The following is an entry in ClinVar:

NM_000447.3(PSEN2):c.1240C>T (p.Pro414Ser)

Gene: PSEN2 (presenilin 2; plus strand). Cytogenetic location: 1q42.13.
Variant type: single nucleotide variant.
Coding change: c.1240C>T on transcript NM_000447.3 (MANE Select); coding-DNA position 1240, C replaced by T.
Protein change: p.Pro414Ser; replaces proline 414 with serine.
Molecular consequence: missense variant.
Genome position (GRCh38, 1-based): chr1:226,895,472, C>T. VCF-style: chr1-226895472-C-T. GRCh37 (hg19) VCF-style: chr1-227083173-C-T.
Other names: c.1237C>T, p.Pro413Ser (NM_012486.3); short protein forms P413S, P414S.
Identifiers: ClinVar variation 3018022 (VCV003018022.3), dbSNP rs200427880, ClinGen allele CA1424856.

ClinVar aggregate classification (germline): Uncertain significance (1 of 4 stars; one submission).

Conditions:
Alzheimer disease 4 (AD4). Identifiers: Orphanet 1020, MedGen C1847200, MONDO:0011743, OMIM 606889.

Allele frequency attached by ClinVar (database versions not stated): gnomAD exomes below 0.00001; ExAC 0.00001.
gnomAD v4.1: 1 of 1,614,050 alleles (0.000062%); no homozygotes.

Submission:

Labcorp Genetics (formerly Invitae), Labcorp
Classification: Uncertain significance for Alzheimer disease 4. Last evaluated: 2023-04-15. Review status: criteria provided, single submitter. Criteria: Invitae Variant Classification Sherloc (09022015). Collection method: clinical testing. Allele origin: germline.
Comment: This sequence change replaces proline, which is neutral and non-polar, with serine, which is neutral and polar, at codon 414 of the PSEN2 protein (p.Pro414Ser). This variant is present in population databases (rs200427880, gnomAD 0.004%). This variant has not been reported in the literature in individuals affected with PSEN2-related conditions. Advanced modeling of protein sequence and biophysical properties (such as structural, functional, and spatial information, amino acid conservation, physicochemical variation, residue mobility, and thermodynamic stability) performed at Invitae indicates that this missense variant is expected to disrupt PSEN2 protein function. In summary, the available evidence is currently insufficient to determine the role of this variant in disease. Therefore, it has been classified as a Variant of Uncertain Significance.